The following is an entry in ClinVar:

ClinVar aggregate classification (germline): Benign. Review status: criteria provided, multiple submitters, no conflicts (2 of 4 stars). 2 submissions from 2 submitters: Benign (2). Last evaluated 2018-01-13.

Conditions:
Glycogen storage disease due to lactate dehydrogenase M-subunit deficiency (GSD11). Also called: GSD XI; LACTATE DEHYDROGENASE A DEFICIENCY; Glycogen storage disease XI. Identifiers: Orphanet 284426, MedGen C2931743, MONDO:0013047, OMIM 612933.

Allele frequency attached by ClinVar (database versions not stated): gnomAD 0.64595 and 0.64017; gnomAD exomes 0.71242 and 0.70332; ExAC 0.71624; 1000 Genomes Project 30x 0.62164; TOPMed 0.62963; 1000 Genomes Project 0.62999.
gnomAD v4.1: 313,006 of 453,688 alleles (69%); highest among the groups gnomAD compares: South Asian, 75%; 109,891 homozygotes.

Submissions (2):

Illumina Laboratory Services, Illumina
Classification: Benign for Glycogen storage disease due to lactate dehydrogenase M-subunit deficiency. Last evaluated: 2018-01-13. Review status: criteria provided, single submitter. Criteria: ICSL Variant Classification Criteria 13 December 2019. Collection method: clinical testing. Allele origin: germline.
Comment: This variant was observed in the ICSL laboratory as part of a predisposition screen in an ostensibly healthy population. It had not been previously curated by ICSL or reported in the Human Gene Mutation Database (HGMD: prior to June 1st, 2018), and was therefore a candidate for classification through an automated scoring system. Utilizing variant allele frequency, disease prevalence and penetrance estimates, and inheritance mode, an automated score was calculated to assess if this variant is too frequent to cause the disease. Based on the score and internal cut-off values, a variant classified as benign is not then subjected to further curation. The score for this variant resulted in a classification of benign for this disease.

Breakthrough Genomics
Classification: Benign. Review status: criteria provided, single submitter. Criteria: ACMG Guidelines, 2015. Collection method: not provided. Allele origin: germline. Inheritance: Autosomal recessive inheritance. Affected: yes.

NM_005566.4(LDHA):c.*639T>C

Gene: LDHA (lactate dehydrogenase A; plus strand). Cytogenetic location: 11p15.1.
Variant type: single nucleotide variant.
Coding change: c.*639T>C on transcript NM_005566.4 (MANE Select); 639 bases downstream of the stop codon, T replaced by C.
Molecular consequence: 3 prime UTR variant. On other transcripts: non-coding transcript variant (1).
Genome position (GRCh38, 1-based): chr11:18,407,920, T>C. VCF-style: chr11-18407920-T-C. GRCh37 (hg19) VCF-style: chr11-18429467-T-C.
Other names: c.*639T>C (NM_001135239.2, NM_001165414.2); c.*544T>C (NM_001165415.2); c.*788T>C (NM_001165416.2).
Identifiers: ClinVar variation 303926 (VCV000303926.6), dbSNP rs3758682, ClinGen allele CA5911498.